The following is an entry in ClinVar:

ClinVar aggregate classification (germline): Uncertain significance. Review status: criteria provided, multiple submitters, no conflicts (2 of 4 stars). 2 submissions from 2 submitters: Uncertain significance (2). Last evaluated 2024-01-13.

Conditions:
Hereditary cancer-predisposing syndrome. Also called: Tumor predisposition; Hereditary neoplastic syndrome; Hereditary Cancer Syndrome; Neoplastic Syndromes, Hereditary. Identifiers: Orphanet 140162, MedGen C0027672, MeSH D009386, MONDO:0015356.
Familial adenomatous polyposis 1 (FAP1). Also called: POLYPOSIS, ADENOMATOUS INTESTINAL; FAMILIAL ADENOMATOUS POLYPOSIS 1, ATTENUATED. Identifiers: MedGen C2713442, MONDO:0021056, OMIM 175100. Disease mechanism: loss of function.

Submissions (2):

Ambry Genetics
Classification: Uncertain significance for Hereditary cancer-predisposing syndrome. Last evaluated: 2024-01-13. Review status: criteria provided, single submitter. Criteria: Ambry Variant Classification Scheme 2023. Collection method: clinical testing. Allele origin: germline.
Comment: The p.Y2645C variant (also known as c.7934A>G), located in coding exon 15 of the APC gene, results from an A to G substitution at nucleotide position 7934. The tyrosine at codon 2645 is replaced by cysteine, an amino acid with highly dissimilar properties. This amino acid position is conserved. In addition, in silico predictors for this gene do not accurately predict pathogenicity. Since supporting evidence is limited at this time, the clinical significance of this alteration remains unclear.

Labcorp Genetics (formerly Invitae), Labcorp
Classification: Uncertain significance for Familial adenomatous polyposis 1. Last evaluated: 2020-08-24. Review status: criteria provided, single submitter. Criteria: Invitae Variant Classification Sherloc (09022015). Collection method: clinical testing. Allele origin: germline.
Comment: In summary, the available evidence is currently insufficient to determine the role of this variant in disease. Therefore, it has been classified as a Variant of Uncertain Significance. Algorithms developed to predict the effect of missense changes on protein structure and function are either unavailable or do not agree on the potential impact of this missense change (SIFT: "Tolerated"; PolyPhen-2: "Probably Damaging"; Align-GVGD: "Class C15"). This variant is not present in population databases (ExAC no frequency). This sequence change replaces tyrosine with cysteine at codon 2645 of the APC protein (p.Tyr2645Cys). The tyrosine residue is highly conserved and there is a large physicochemical difference between tyrosine and cysteine. This variant has not been reported in the literature in individuals with APC-related conditions.

NM_000038.6(APC):c.7934A>G (p.Tyr2645Cys)

Gene: APC (APC regulator of Wnt signaling pathway; plus strand). Cytogenetic location: 5q22.2.
Variant type: single nucleotide variant.
Coding change: c.7934A>G on transcript NM_000038.6 (MANE Select); coding-DNA position 7934, A replaced by G.
Protein change: p.Tyr2645Cys; replaces tyrosine 2645 with cysteine.
Molecular consequence: missense variant.
Genome position (GRCh38, 1-based): chr5:112,843,528, A>G. VCF-style: chr5-112843528-A-G. GRCh37 (hg19) VCF-style: chr5-112179225-A-G.
Other names: c.7934A>G, p.Tyr2645Cys (NM_001127510.3, NM_001354895.2); c.7880A>G, p.Tyr2627Cys (NM_001127511.3); c.7988A>G, p.Tyr2663Cys (NM_001354896.2); c.7964A>G, p.Tyr2655Cys (NM_001354897.2); c.7859A>G, p.Tyr2620Cys (NM_001354898.2); c.7850A>G, p.Tyr2617Cys (NM_001354899.2); c.7811A>G, p.Tyr2604Cys (NM_001354900.2); c.7757A>G, p.Tyr2586Cys (NM_001354901.2); and 6 more; short protein forms Y2362C, Y2485C, Y2519C, Y2544C, Y2554C, Y2586C, Y2604C, Y2617C.
Identifiers: ClinVar variation 1052207 (VCV001052207.11), dbSNP rs2149996559, ClinGen allele CA16038559.
Genomic context (GRCh38, chr5:112,843,528, plus strand): 5'-GTACTTCTCAGACCGTTTCCTCAGGTGCTACAAATGGTGCTGAATCAAAGACTCTAATTT[A>G]TCAAATGGCACCTGCTGTTTCTAAAACAGAGGATGTTTGGGTGAGAATTGAGGACTGTCC-3'
Protein context (NP_000029.2, residues 2635-2655): TNGAESKTLI[Tyr2645Cys]QMAPAVSKTE